The following is an entry in ClinVar:

NM_005263.5(GFI1):c.484G>A (p.Gly162Ser)

Gene: GFI1 (growth factor independent 1 transcriptional repressor; minus strand). Cytogenetic location: 1p22.1.
Variant type: single nucleotide variant.
Coding change: c.484G>A on transcript NM_005263.5 (MANE Select); coding-DNA position 484, G replaced by A.
Protein change: p.Gly162Ser; replaces glycine 162 with serine.
Molecular consequence: missense variant.
Genome position (GRCh38, 1-based): chr1:92,480,903, C>T on the plus strand (G>A on the coding strand, the complement: GFI1 is on the minus strand). VCF-style: chr1-92480903-C-T. GRCh37 (hg19) VCF-style: chr1-92946460-C-T.
Other names: c.484G>A, p.Gly162Ser (NM_001127215.3, NM_001127216.3); c.484G>A (NM_005263.3); short protein forms G162S.
Identifiers: ClinVar variation 1462641 (VCV001462641.9), dbSNP rs1302643142, ClinGen allele CA341149743.
Genomic context (GRCh38, chr1:92,480,903, plus strand): 5'-GCGCCCCGGCCCCCGCGCCGCCGGCAGCCCGCTTCGGGCCGTACAGCGCGGCCGGGTGGC[C>T]AGGCTCCGGGGCGGGTTCGCAGAAGAGGCCCAGGCCAGCGCCACGCTCCAGGGCCCCACA-3'
Protein context (NP_005254.2, residues 152-172): GLFCEPAPEP[Gly162Ser]HPAALYGPKR

ClinVar aggregate classification (germline): Uncertain significance. Review status: criteria provided, multiple submitters, no conflicts (2 of 4 stars). 2 submissions from 2 submitters: Uncertain significance (2). Last evaluated 2024-12-19.

Conditions:
Neutropenia, severe congenital, 2, autosomal dominant. Identifiers: Orphanet 486, MedGen C2751288, MONDO:0013139, OMIM 613107.

Allele frequency attached by ClinVar (database versions not stated): gnomAD exomes 0.00001; gnomAD 0.00002; TOPMed 0.00002.
gnomAD v4.1: 8 of 1,545,892 alleles (0.00052%); highest among the groups gnomAD compares: African/African-American, 0.0082%; no homozygotes.

Submissions (2):

Ambry Genetics
Classification: Uncertain significance. Last evaluated: 2024-12-19. Review status: criteria provided, single submitter. Criteria: Ambry Variant Classification Scheme 2023. Collection method: clinical testing. Allele origin: germline.
Comment: The p.G162S variant (also known as c.484G>A), located in coding exon 3 of the GFI1 gene, results from a G to A substitution at nucleotide position 484. The glycine at codon 162 is replaced by serine, an amino acid with similar properties. This amino acid position is conserved. In addition, this alteration is predicted to be tolerated by in silico analysis. Based on the available evidence, the clinical significance of this variant remains unclear.

Labcorp Genetics (formerly Invitae), Labcorp
Classification: Uncertain significance for Neutropenia, severe congenital, 2, autosomal dominant. Last evaluated: 2023-09-03. Review status: criteria provided, single submitter. Criteria: Invitae Variant Classification Sherloc (09022015). Collection method: clinical testing. Allele origin: germline.
Comment: This sequence change replaces glycine, which is neutral and non-polar, with serine, which is neutral and polar, at codon 162 of the GFI1 protein (p.Gly162Ser). The frequency data for this variant in the population databases is considered unreliable, as metrics indicate poor data quality at this position in the gnomAD database. This variant has not been reported in the literature in individuals affected with GFI1-related conditions. ClinVar contains an entry for this variant (Variation ID: 1462641). Advanced modeling of protein sequence and biophysical properties (such as structural, functional, and spatial information, amino acid conservation, physicochemical variation, residue mobility, and thermodynamic stability) performed at Invitae indicates that this missense variant is not expected to disrupt GFI1 protein function. In summary, the available evidence is currently insufficient to determine the role of this variant in disease. Therefore, it has been classified as a Variant of Uncertain Significance.